The following is an entry in ClinVar:

NM_000059.4(BRCA2):c.1415A>T (p.Gln472Leu)

Gene: BRCA2 (BRCA2 DNA repair associated; plus strand). Cytogenetic location: 13q13.1.
Variant type: single nucleotide variant.
Coding change: c.1415A>T on transcript NM_000059.4 (MANE Select); coding-DNA position 1415, A replaced by T.
Protein change: p.Gln472Leu; replaces glutamine 472 with leucine.
Molecular consequence: missense variant. On other transcripts: non-coding transcript variant (1), intron variant (1).
Genome position (GRCh38, 1-based): chr13:32,332,893, A>T. VCF-style: chr13-32332893-A-T. GRCh37 (hg19) VCF-style: chr13-32907030-A-T.
Other names: c.1415A>T, p.Gln472Leu (NM_001406719.1, NM_001406720.1, NM_001406721.1 and 1 more transcripts); c.424+1863A>T (NM_001406722.1); short protein forms Q472L.
Identifiers: ClinVar variation 3636422 (VCV003636422.2).

ClinVar aggregate classification (germline): Uncertain significance (1 of 4 stars; one submission).

Conditions:
Hereditary breast ovarian cancer syndrome. Also called: Hereditary breast and ovarian cancer syndrome; Hereditary breast and ovarian cancer syndrome (HBOC); BRCA1- and BRCA2-Associated Hereditary Breast and Ovarian Cancer; Hereditary breast and ovarian cancer; Breast and ovarian cancer; Hereditary breast and/or ovarian cancer syndrome. Identifiers: Orphanet 145, MedGen C0677776, MeSH D061325, MONDO:0003582. Disease mechanism: loss of function.

gnomAD v4.1: 1 of 1,611,258 alleles (0.000062%); highest among the groups gnomAD compares: Non-Finnish European, 0.000085%; no homozygotes.

Submission:

Labcorp Genetics (formerly Invitae), Labcorp
Classification: Uncertain significance for Hereditary breast ovarian cancer syndrome. Last evaluated: 2024-03-20. Review status: criteria provided, single submitter. Criteria: Invitae Variant Classification Sherloc (09022015). Collection method: clinical testing. Allele origin: germline.
Comment: This sequence change replaces glutamine, which is neutral and polar, with leucine, which is neutral and non-polar, at codon 472 of the BRCA2 protein (p.Gln472Leu). This variant is not present in population databases (gnomAD no frequency). This variant has not been reported in the literature in individuals affected with BRCA2-related conditions. Advanced modeling of protein sequence and biophysical properties (such as structural, functional, and spatial information, amino acid conservation, physicochemical variation, residue mobility, and thermodynamic stability) performed at Invitae indicates that this missense variant is not expected to disrupt BRCA2 protein function with a negative predictive value of 95%. In summary, the available evidence is currently insufficient to determine the role of this variant in disease. Therefore, it has been classified as a Variant of Uncertain Significance.